The following is an entry in ClinVar:

ClinVar aggregate classification (germline): Likely pathogenic (1 of 4 stars; one submission).

Submission:

GeneDx
Classification: Likely pathogenic. Last evaluated: 2016-06-28. Review status: criteria provided, single submitter. Criteria: GeneDx Variant Classification (06012015). Collection method: clinical testing. Allele origin: germline. Affected: yes.
Comment: The Q157R variant in the CTNND2 gene has not been reported previously as a pathogenic variant, nor as a benign variant, to our knowledge. The Q157R variant was not observed in approximately 6,500 individuals of European and African American ancestry in the NHLBI Exome Sequencing Project, indicating it is not a common benign variant in these populations. The Q157R variant is a semi-conservative amino acid substitution, which may impact secondary protein structure as these residues differ in some properties. This substitution occurs at a position that is conserved across species. In silico analysis predicts this variant is probably damaging to the protein structure/function. The Q157R variant is a strong candidate for a pathogenic variant, however the possibility it may be a rare benign variant cannot be excluded.

NM_001332.4(CTNND2):c.470A>G (p.Gln157Arg)

Gene: CTNND2 (catenin delta 2; minus strand). Cytogenetic location: 5p15.2.
Variant type: single nucleotide variant.
Coding change: c.470A>G on transcript NM_001332.4 (MANE Select); coding-DNA position 470, A replaced by G.
Protein change: p.Gln157Arg; replaces glutamine 157 with arginine.
Molecular consequence: missense variant. On other transcripts: 5 prime UTR variant (1), intron variant (2).
Genome position (GRCh38, 1-based): chr5:11,397,173, T>C on the plus strand (A>G on the coding strand, the complement: CTNND2 is on the minus strand). VCF-style: chr5-11397173-T-C. GRCh37 (hg19) VCF-style: chr5-11397285-T-C.
Other names: c.197A>G, p.Gln66Arg (NM_001288715.1); c.-265A>G (NM_001288717.2); c.166+14363A>G (NM_001364128.2, NM_001288716.1); short protein forms Q157R, Q66R.
Identifiers: ClinVar variation 372985 (VCV000372985.1), dbSNP rs1057518120, ClinGen allele CA16042498.